The following is an entry in ClinVar:

NM_001002295.2(GATA3):c.*612G>A

Gene: GATA3 (GATA binding protein 3; plus strand). Cytogenetic location: 10p14.
Variant type: single nucleotide variant.
Coding change: c.*612G>A on transcript NM_001002295.2 (MANE Select); 612 bases downstream of the stop codon, G replaced by A.
Molecular consequence: 3 prime UTR variant.
Genome position (GRCh38, 1-based): chr10:8,074,635, G>A. VCF-style: chr10-8074635-G-A. GRCh37 (hg19) VCF-style: chr10-8116598-G-A.
Other names: c.*612G>A (NM_002051.3).
Identifiers: ClinVar variation 301140 (VCV000301140.6), dbSNP rs1058240, ClinGen allele CA10636619.

ClinVar aggregate classification (germline): Benign. Review status: criteria provided, multiple submitters, no conflicts (2 of 4 stars). 2 submissions from 2 submitters: Benign (2). Last evaluated 2018-01-13.

Conditions:
Hypoparathyroidism, deafness, renal disease syndrome (HDRS). Also called: HYPOPARATHYROIDISM, SENSORINEURAL DEAFNESS, AND RENAL DYSPLASIA SYNDROME. Identifiers: Orphanet 2237, MedGen C1840333, MONDO:0007797, OMIM 146255.

Allele frequency attached by ClinVar (database versions not stated): gnomAD 0.81149; TOPMed 0.81670; gnomAD exomes 0.84504; 1000 Genomes Project 30x 0.86071; 1000 Genomes Project 0.86502.
gnomAD v4.1: 192,611 of 233,718 alleles (82%); highest among the groups gnomAD compares: East Asian, 98%; 79,772 homozygotes.

Submissions (2):

Illumina Laboratory Services, Illumina
Classification: Benign for Hypoparathyroidism, deafness, renal disease syndrome. Last evaluated: 2018-01-13. Review status: criteria provided, single submitter. Criteria: ICSL Variant Classification Criteria 13 December 2019. Collection method: clinical testing. Allele origin: germline.
Comment: This variant was observed in the ICSL laboratory as part of a predisposition screen in an ostensibly healthy population. It had not been previously curated by ICSL or reported in the Human Gene Mutation Database (HGMD: prior to June 1st, 2018), and was therefore a candidate for classification through an automated scoring system. Utilizing variant allele frequency, disease prevalence and penetrance estimates, and inheritance mode, an automated score was calculated to assess if this variant is too frequent to cause the disease. Based on the score and internal cut-off values, a variant classified as benign is not then subjected to further curation. The score for this variant resulted in a classification of benign for this disease.

Breakthrough Genomics
Classification: Benign. Review status: criteria provided, single submitter. Criteria: ACMG Guidelines, 2015. Collection method: not provided. Allele origin: germline. Inheritance: Autosomal dominant inheritance. Affected: yes.